The following is an entry in ClinVar:

NM_019594.4(LRRC8A):c.1916A>G (p.His639Arg)

Gene: LRRC8A (leucine rich repeat containing 8 VRAC subunit A; plus strand). Cytogenetic location: 9q34.11.
Variant type: single nucleotide variant.
Coding change: c.1916A>G on transcript NM_019594.4 (MANE Select); coding-DNA position 1916, A replaced by G.
Protein change: p.His639Arg; replaces histidine 639 with arginine.
Molecular consequence: missense variant.
Genome position (GRCh38, 1-based): chr9:128,909,080, A>G. VCF-style: chr9-128909080-A-G. GRCh37 (hg19) VCF-style: chr9-131671359-A-G.
Other names: c.1916A>G, p.His639Arg (NM_001127244.2, NM_001127245.2); short protein forms H639R.
Identifiers: ClinVar variation 4711973 (VCV004711973.1).
Genomic context (GRCh38, chr9:128,909,080, plus strand): 5'-TTGACCTCAAGGACAACAACCTCAAGACCATCGAGGAGATCATCAGCTTCCAGCACCTGC[A>G]CCGCCTCACCTGCCTTAAGCTGTGGTACAACCACATCGCCTACATCCCCATCCAGATCGG-3'
Protein context (NP_062540.2, residues 629-649): IEEIISFQHL[His639Arg]RLTCLKLWYN

ClinVar aggregate classification (germline): Uncertain significance (1 of 4 stars; one submission).

Submission:

Labcorp Genetics (formerly Invitae), Labcorp
Classification: Uncertain significance. Last evaluated: 2025-04-10. Review status: criteria provided, single submitter. Criteria: Invitae Variant Classification Sherloc (09022015). Collection method: clinical testing. Allele origin: germline.
Comment: This sequence change replaces histidine, which is basic and polar, with arginine, which is basic and polar, at codon 639 of the LRRC8A protein (p.His639Arg). This variant is not present in population databases (gnomAD no frequency). This variant has not been reported in the literature in individuals affected with LRRC8A-related conditions. An algorithm developed to predict the effect of missense changes on protein structure and function (PolyPhen-2) suggests that this variant is likely to be disruptive. In summary, the available evidence is currently insufficient to determine the role of this variant in disease. Therefore, it has been classified as a Variant of Uncertain Significance.